The following is an entry in ClinVar:

NM_002225.5(IVD):c.892dup (p.Val298fs)

Gene: IVD (isovaleryl-CoA dehydrogenase; plus strand). Cytogenetic location: 15q15.1.
Variant type: Duplication.
Coding change: c.892dup on transcript NM_002225.5 (MANE Select); coding-DNA position 892, one base duplicated (G; older notation c.892dupG).
Protein change: p.Val298fs; shifts the reading frame from valine 298.
Molecular consequence: frameshift variant. On other transcripts: non-coding transcript variant (1).
Genome position (GRCh38, 1-based): chr15:40,415,414, G duplicated; the last of 2 consecutive G bases (chr15:40,415,413-40,415,414); duplicating either gives the same sequence. VCF-style (leftmost placement, unchanged base first): chr15-40415412-C-CG. GRCh37 (hg19) VCF-style: chr15-40707611-C-CG.
Other names: c.802dup, p.Val268fs (NM_001159508.3); c.844dup, p.Val282fs (NM_001354597.3); c.892dup, p.Val298fs (NM_001354598.3, NM_001354601.3); c.979dup, p.Val327fs (NM_001354599.3, NM_001354600.3); short protein forms V268fs, V282fs, V298fs, V327fs.
Identifiers: ClinVar variation 5011904 (VCV005011904.1).
Genomic context (GRCh38, chr15:40,415,412, plus strand): 5'-CGGTGGTGGGATGAGGAGGTGCCCACGGGGCCTTTCTCCTTTCTGACAGGCTCATGCAAG[C>CG]GGTCCTGGACCACACCATTCCCTACCTGCACGTGAGGGAAGCCTTTGGCCAGAAGATCGG-3'

ClinVar aggregate classification (germline): Pathogenic (1 of 4 stars; one submission).

Conditions:
Isovaleryl-CoA dehydrogenase deficiency (IVA). Also called: ISOVALERIC ACID CoA DEHYDROGENASE DEFICIENCY; Isovaleric acidemia; IVD DEFICIENCY; Classic Isovaleric Acidemia. Identifiers: Orphanet 33, MedGen C0268575, MONDO:0009475, OMIM 243500.

Submission:

Myriad Genetics, Inc.
Classification: Pathogenic for Isovaleryl-CoA dehydrogenase deficiency. Last evaluated: 2023-09-27. Review status: criteria provided, single submitter. Criteria: Myriad Autosomal Dominant, Autosomal Recessive and X-Linked Classification Criteria (2023). Collection method: clinical testing. Allele origin: unknown.
Comment: NM_002225.3(IVD):c.901dupG(V301Gfs*31) is expected to be pathogenic in the context of isovaleric acidemia. This variant is predicted to lead to an abnormal or absent protein product due to the creation of a premature termination codon in IVD, a gene where loss-of-function variants are known to be pathogenic. Please note: this variant was assessed in the context of healthy population screening.